The following is an entry in ClinVar:

ClinVar aggregate classification (germline): Uncertain significance (1 of 4 stars; one submission).

Conditions:
Epileptic encephalopathy. Identifiers: MedGen C0543888, HP:0200134.

Submission:

Labcorp Genetics (formerly Invitae), Labcorp
Classification: Uncertain significance for Epileptic encephalopathy. Last evaluated: 2019-06-18. Review status: criteria provided, single submitter. Criteria: Invitae Variant Classification Sherloc (09022015). Collection method: clinical testing. Allele origin: germline.
Comment: This sequence change creates a premature translational stop signal (p.Trp280*) in the RYR3 gene. It is expected to result in an absent or disrupted protein product. This variant is not present in population databases (ExAC no frequency). This variant has not been reported in the literature in individuals with RYR3-related conditions. The current clinical and genetic evidence is not sufficient to establish whether loss-of-function variants in RYR3 cause disease. In summary, the available evidence is currently insufficient to determine the role of this variant in disease. Therefore, it has been classified as a Variant of Uncertain Significance.

NM_001036.6(RYR3):c.840G>A (p.Trp280Ter)

Gene: RYR3 (ryanodine receptor 3; plus strand). Cytogenetic location: 15q14.
Variant type: single nucleotide variant.
Coding change: c.840G>A on transcript NM_001036.6 (MANE Select); coding-DNA position 840, G replaced by A.
Protein change: p.Trp280Ter; replaces tryptophan 280 with a stop codon.
Molecular consequence: nonsense.
Genome position (GRCh38, 1-based): chr15:33,550,184, G>A. VCF-style: chr15-33550184-G-A. GRCh37 (hg19) VCF-style: chr15-33842385-G-A.
Other names: c.840G>A, p.Trp280Ter (NM_001243996.4); short protein forms W280*.
Identifiers: ClinVar variation 944966 (VCV000944966.7), dbSNP rs2056574150, ClinGen allele CA391562420.